The following is an entry in ClinVar:

NM_020778.5(ALPK3):c.2590G>T (p.Val864Leu)

Gene: ALPK3 (alpha kinase 3; plus strand). Cytogenetic location: 15q25.3.
Variant type: single nucleotide variant.
Coding change: c.2590G>T on transcript NM_020778.5 (MANE Select); coding-DNA position 2590, G replaced by T.
Protein change: p.Val864Leu; replaces valine 864 with leucine.
Molecular consequence: missense variant.
Genome position (GRCh38, 1-based): chr15:84,857,328, G>T. VCF-style: chr15-84857328-G-T. GRCh37 (hg19) VCF-style: chr15-85400559-G-T.
Other names: short protein forms V864L.
Identifiers: ClinVar variation 4613520 (VCV004613520.1).
Genomic context (GRCh38, chr15:84,857,328, plus strand): 5'-CCAGGGGGAGTGCCGTGTATGGATCAGGGTGGCTGTCCTCTAGCTGGCCTGAGCCAGGAG[G>T]TACCCACGATGCCTTCTCTTCCTGGAACTGGGCTGACAGCTAGCCCAAAGGCGGGGCCGT-3'
Protein context (NP_065829.4, residues 854-874): GCPLAGLSQE[Val864Leu]PTMPSLPGTG

ClinVar aggregate classification (germline): Uncertain significance (1 of 4 stars; one submission).

Conditions:
Cardiovascular phenotype. Identifiers: MedGen CN230736.

Submission:

Ambry Genetics
Classification: Uncertain significance for Cardiovascular phenotype. Last evaluated: 2025-11-25. Review status: criteria provided, single submitter. Criteria: Ambry Variant Classification Scheme 2023. Collection method: clinical testing. Allele origin: germline.
Comment: The p.V1066L variant (also known as c.3196G>T), located in coding exon 6 of the ALPK3 gene, results from a G to T substitution at nucleotide position 3196. The valine at codon 1066 is replaced by leucine, an amino acid with highly similar properties. This amino acid position is conserved. In addition, this alteration is predicted to be tolerated by in silico analysis. Based on the available evidence, the clinical significance of this variant remains unclear.